The following is an entry in ClinVar:

ClinVar aggregate classification (germline): Uncertain significance (1 of 4 stars; one submission).

Conditions:
LAMB2-related infantile-onset nephrotic syndrome. Also called: Nephrotic Syndrome, type 5; NEPHROTIC SYNDROME, TYPE 5, WITHOUT OCULAR ABNORMALITIES; NEPHROTIC SYNDROME, TYPE 5, WITH OCULAR ABNORMALITIES. Identifiers: Orphanet 306507, MedGen C3280113, MONDO:0013621, OMIM 614199.
Pierson syndrome. Also called: MICROCORIA-CONGENITAL NEPHROTIC SYNDROME. Identifiers: Orphanet 2670, MedGen C1836876, MONDO:0012184, OMIM 609049.

Submission:

Labcorp Genetics (formerly Invitae), Labcorp
Classification: Uncertain significance for LAMB2-related infantile-onset nephrotic syndrome; Pierson syndrome. Last evaluated: 2022-11-10. Review status: criteria provided, single submitter. Criteria: Invitae Variant Classification Sherloc (09022015). Collection method: clinical testing. Allele origin: germline.
Comment: This variant is present in population databases (no rsID available, gnomAD 0.006%). This variant, c.4782_4784del, results in the deletion of 1 amino acid(s) of the LAMB2 protein (p.Arg1594del), but otherwise preserves the integrity of the reading frame. This variant has not been reported in the literature in individuals affected with LAMB2-related conditions. In summary, the available evidence is currently insufficient to determine the role of this variant in disease. Therefore, it has been classified as a Variant of Uncertain Significance. Algorithms developed to predict the effect of sequence changes on RNA splicing suggest that this variant may disrupt the consensus splice site.

NC_000003.12:g.49122085_49122087del

Gene: LAMB2 (laminin subunit beta 2; minus strand). Cytogenetic location: 3p21.31.
Variant type: Deletion.
Genome position: GRCh38 VCF-style: chr3-49122082-GCTC-G. GRCh37 (hg19) VCF-style: chr3-49159515-GCTC-G.
Identifiers: ClinVar variation 2923812 (VCV002923812.1), dbSNP rs1299413522, ClinGen allele CA543048547.